The following is an entry in ClinVar:

NM_001370259.2(MEN1):c.1212C>G (p.Leu404=)

Gene: MEN1 (menin 1; minus strand). Cytogenetic location: 11q13.1.
Variant type: single nucleotide variant.
Coding change: c.1212C>G on transcript NM_001370259.2 (MANE Select); coding-DNA position 1212, C replaced by G.
Protein change: p.Leu404=; no amino-acid change (leucine 404 retained).
Molecular consequence: synonymous variant.
Genome position (GRCh38, 1-based): chr11:64,805,172, G>C on the plus strand (C>G on the coding strand, the complement: MEN1 is on the minus strand). VCF-style: chr11-64805172-G-C. GRCh37 (hg19) VCF-style: chr11-64572644-G-C.
Other names: c.1227C>G, p.Leu409= (NM_000244.4, NM_130800.3, NM_130801.3 and 3 more transcripts); c.1338C>G, p.Leu446= (NM_001370251.2); c.1212C>G, p.Leu404= (NM_001370260.2, NM_001370261.2, NM_130799.3); c.1107C>G, p.Leu369= (NM_001370262.2, NM_001370263.2).
Identifiers: ClinVar variation 527308 (VCV000527308.22), dbSNP rs577268289, ClinGen allele CA060309.

ClinVar aggregate classification (germline): Benign/Likely benign. Review status: criteria provided, multiple submitters, no conflicts (2 of 4 stars). 7 submissions from 7 submitters: Benign (4); Likely benign (3). Last evaluated 2026-06-01.

Conditions:
Multiple endocrine neoplasia, type 1 (MEN1). Also called: Endocrine adenomatosis multiple; MEN 1; MEA I; MEN I; WERMER SYNDROME. Identifiers: Orphanet 652, MedGen C0025267, MeSH D018761, MONDO:0007540, OMIM 131100.
Pituitary adenoma 5, multiple types. Identifiers: MedGen C4539685, MONDO:0054601, OMIM 617540.
Hereditary cancer-predisposing syndrome. Also called: Neoplastic Syndromes, Hereditary; Hereditary Cancer Syndrome; Tumor predisposition; Hereditary neoplastic syndrome. Identifiers: Orphanet 140162, MedGen C0027672, MeSH D009386, MONDO:0015356.

Allele frequency attached by ClinVar (database versions not stated): gnomAD exomes 0.00052 and 0.00020; ExAC 0.00061; 1000 Genomes Project 30x 0.00109; 1000 Genomes Project 0.00140; gnomAD below 0.00001 and 0.00010.
gnomAD v4.1: 311 of 1,613,950 alleles (0.019%); highest among the groups gnomAD compares: South Asian, 0.32%; 1 homozygote.

Submissions (7):

CeGaT Center for Human Genetics Tuebingen
Classification: Likely benign. Last evaluated: 2026-06-01. Review status: criteria provided, single submitter. Criteria: CeGaT Center For Human Genetics Tuebingen Variant Classification Criteria Version 2. Collection method: clinical testing. Allele origin: germline. Affected: yes. Observed: 1 variant allele.
Comment: MEN1: BP4, BP7, BS1

Labcorp Genetics (formerly Invitae), Labcorp
Classification: Benign for Multiple endocrine neoplasia, type 1. Last evaluated: 2026-01-28. Review status: criteria provided, single submitter. Criteria: Invitae Variant Classification Sherloc (09022015). Collection method: clinical testing. Allele origin: germline.

ARUP Laboratories, Molecular Genetics and Genomics, ARUP Laboratories
Classification: Benign. Last evaluated: 2025-04-09. Review status: criteria provided, single submitter. Criteria: ARUP Molecular Germline Variant Investigation Process 2024. Collection method: clinical testing. Allele origin: germline.

Myriad Genetics, Inc.
Classification: Benign for Multiple endocrine neoplasia, type 1. Last evaluated: 2024-11-05. Review status: criteria provided, single submitter. Criteria: Myriad Autosomal Dominant, Autosomal Recessive and X-Linked Classification Criteria (2023). Collection method: clinical testing. Allele origin: unknown.
Comment: This variant is considered benign. This variant is a silent/synonymous amino acid change and it is not expected to impact splicing.

Laboratory of Molecular and Cytogenetics, Department of Anatomy, All India Institute of Medical Sciences (AIIMS)
Classification: Benign for Pituitary adenoma 5, multiple types. Last evaluated: 2023-05-10. Review status: criteria provided, single submitter. Criteria: ACMG Guidelines, 2015. Collection method: research. Allele origin: germline. Affected: yes.

Color Diagnostics, LLC DBA Color Health
Classification: Likely benign for Multiple endocrine neoplasia, type 1. Last evaluated: 2022-11-06. Review status: criteria provided, single submitter. Criteria: ACMG Guidelines, 2015. Collection method: clinical testing. Allele origin: germline.

Ambry Genetics
Classification: Likely benign for Hereditary cancer-predisposing syndrome. Last evaluated: 2019-03-16. Review status: criteria provided, single submitter. Criteria: Ambry Variant Classification Scheme 2023. Collection method: clinical testing. Allele origin: germline.